The following is an entry in ClinVar:

NM_053013.4(ENO3):c.475G>C (p.Ala159Pro)

Gene: ENO3 (enolase 3; plus strand). Cytogenetic location: 17p13.2.
Variant type: single nucleotide variant.
Coding change: c.475G>C on transcript NM_053013.4 (MANE Select); coding-DNA position 475, G replaced by C.
Protein change: p.Ala159Pro; replaces alanine 159 with proline.
Molecular consequence: missense variant.
Genome position (GRCh38, 1-based): chr17:4,955,105, G>C. VCF-style: chr17-4955105-G-C. GRCh37 (hg19) VCF-style: chr17-4858400-G-C.
Other names: c.346G>C, p.Ala116Pro (NM_001193503.2); c.475G>C, p.Ala159Pro (NM_001374523.1, NM_001976.5); c.502G>C, p.Ala168Pro (NM_001374524.1); c.475G>C (NM_053013.3); short protein forms A159P, A116P, A168P.
Identifiers: ClinVar variation 1445885 (VCV001445885.7), dbSNP rs1971675855, ClinGen allele CA397289804.

ClinVar aggregate classification (germline): Uncertain significance. Review status: criteria provided, multiple submitters, no conflicts (2 of 4 stars). 2 submissions from 2 submitters: Uncertain significance (2). Last evaluated 2024-02-28.

Conditions:
Inborn genetic diseases. Identifiers: MedGen C0950123, MeSH D030342.
Glycogen storage disease due to muscle beta-enolase deficiency (GSD13). Also called: ENOLASE 3 DEFICIENCY; ENOLASE-BETA DEFICIENCY; GSD XIII; Glycogen Storage Disease Type XIII. Identifiers: Orphanet 99849, MedGen C2752027, MONDO:0013046, OMIM 612932.

gnomAD v4.1: 1 of 1,611,736 alleles (0.000062%); highest among the groups gnomAD compares: South Asian, 0.0011%; no homozygotes.

Submissions (2):

Ambry Genetics
Classification: Uncertain significance for Inborn genetic diseases. Last evaluated: 2024-02-28. Review status: criteria provided, single submitter. Criteria: Ambry Variant Classification Scheme 2023. Collection method: clinical testing. Allele origin: germline.

Labcorp Genetics (formerly Invitae), Labcorp
Classification: Uncertain significance for Glycogen storage disease due to muscle beta-enolase deficiency. Last evaluated: 2022-07-06. Review status: criteria provided, single submitter. Criteria: Invitae Variant Classification Sherloc (09022015). Collection method: clinical testing. Allele origin: germline.
Comment: In summary, the available evidence is currently insufficient to determine the role of this variant in disease. Therefore, it has been classified as a Variant of Uncertain Significance. Algorithms developed to predict the effect of missense changes on protein structure and function are either unavailable or do not agree on the potential impact of this missense change (SIFT: "Deleterious"; PolyPhen-2: "Probably Damaging"; Align-GVGD: "Class C0"). ClinVar contains an entry for this variant (Variation ID: 1445885). This variant has not been reported in the literature in individuals affected with ENO3-related conditions. This variant is not present in population databases (gnomAD no frequency). This sequence change replaces alanine, which is neutral and non-polar, with proline, which is neutral and non-polar, at codon 159 of the ENO3 protein (p.Ala159Pro).